The following is an entry in ClinVar:

NM_015272.5(RPGRIP1L):c.663_664dup (p.Ile222fs)

Gene: RPGRIP1L (RPGRIP1 like; minus strand). Cytogenetic location: 16q12.2.
Variant type: Duplication.
Coding change: c.663_664dup on transcript NM_015272.5 (MANE Select); coding-DNA positions 663 to 664, 2 bases duplicated (GA; older notation c.663_664dupGA).
Protein change: p.Ile222fs; shifts the reading frame from isoleucine 222.
Molecular consequence: frameshift variant.
Genome position (GRCh38, 1-based): chr16:53,686,545-53,686,546, TC duplicated on the plus strand (GA on the coding strand, the reverse complement: RPGRIP1L is on the minus strand); duplicating any 2 consecutive bases within chr16:53,686,545-53,686,547 gives the same sequence; the c. name uses the placement nearest the transcript's 3' end. VCF-style (leftmost placement, unchanged base first): chr16-53686544-A-ATC. GRCh37 (hg19) VCF-style: chr16-53720456-A-ATC.
Other names: c.663_664dup, p.Ile222fs (NM_001127897.4, NM_001308334.3, NM_001330538.2); short protein forms I222fs.
Identifiers: ClinVar variation 1069111 (VCV001069111.7), dbSNP rs2151318273, ClinGen allele CA2499223545.

ClinVar aggregate classification (germline): Pathogenic (1 of 4 stars; one submission).

Conditions:
Joubert syndrome. Also called: Familial aplasia of the vermis; CEREBELLOPARENCHYMAL DISORDER IV; JOUBERT-BOLTSHAUSER SYNDROME. Identifiers: Orphanet 475, MedGen C5979921, MONDO:0018772.
Meckel-Gruber syndrome. Also called: Dysencephalia splachnocystica; DYSENCEPHALIA SPLANCHNOCYSTICA; GRUBER SYNDROME. Identifiers: Orphanet 564, MedGen C0265215, MONDO:0018921.

Submission:

Labcorp Genetics (formerly Invitae), Labcorp
Classification: Pathogenic for Joubert syndrome; Meckel-Gruber syndrome. Last evaluated: 2022-07-26. Review status: criteria provided, single submitter. Criteria: Invitae Variant Classification Sherloc (09022015). Collection method: clinical testing. Allele origin: germline.
Comment: This sequence change creates a premature translational stop signal (p.Ile222Argfs*2) in the RPGRIP1L gene. It is expected to result in an absent or disrupted protein product. Loss-of-function variants in RPGRIP1L are known to be pathogenic (PMID: 17558409). This variant is not present in population databases (gnomAD no frequency). This variant has not been reported in the literature in individuals affected with RPGRIP1L-related conditions. ClinVar contains an entry for this variant (Variation ID: 1069111). For these reasons, this variant has been classified as Pathogenic.

Literature cited by the submitters: PubMed 17558409.